The following is an entry in ClinVar:

NM_170707.4(LMNA):c.1040A>G (p.Glu347Gly)

Gene: LMNA (lamin A/C; plus strand). Cytogenetic location: 1q22.
Variant type: single nucleotide variant.
Coding change: c.1040A>G on transcript NM_170707.4 (MANE Select); coding-DNA position 1040, A replaced by G.
Protein change: p.Glu347Gly; replaces glutamic acid 347 with glycine.
Molecular consequence: missense variant.
Genome position (GRCh38, 1-based): chr1:156,136,004, A>G. VCF-style: chr1-156136004-A-G. GRCh37 (hg19) VCF-style: chr1-156105795-A-G.
Other names: c.704A>G, p.Glu235Gly (NM_001257374.3); c.797A>G, p.Glu266Gly (NM_001282624.2); c.1040A>G, p.Glu347Gly (NM_001282625.2, NM_001282626.2, NM_005572.4 and 1 more transcripts); short protein forms E235G, E266G, E347G.
Identifiers: ClinVar variation 999846 (VCV000999846.16), dbSNP rs1449688220, ClinGen allele CA342820251.

ClinVar aggregate classification (germline): Uncertain significance. Review status: criteria provided, multiple submitters, no conflicts (2 of 4 stars). 4 submissions from 4 submitters: Uncertain significance (4). Last evaluated 2024-11-08.

Conditions:
Charcot-Marie-Tooth disease type 2. Also called: Charcot-Marie-Tooth type 2. Identifiers: Orphanet 64746, MedGen C0270914, MONDO:0018993.
Emery-Dreifuss muscular dystrophy 2, autosomal dominant (EDMD2). Also called: Benign scapuloperoneal muscular dystrophy with cardiomyopathy; LMNA-Related Emery-Dreifuss Muscular Dystrophy, Autosomal; HAUPTMANN-THANNHAUSER MUSCULAR DYSTROPHY; MUSCULAR DYSTROPHY WITH EARLY CONTRACTURES AND CARDIOMYOPATHY, AUTOSOMAL DOMINANT; SCAPULOILIOPERONEAL ATROPHY WITH CARDIOPATHY; Limb-girdle muscular dystrophy, type 1B. Identifiers: Orphanet 261, Orphanet 264, MedGen C0410190, MONDO:0021569, OMIM 181350.

Submissions (4):

Blueprint Genetics
Classification: Uncertain significance. Last evaluated: 2024-11-08. Review status: criteria provided, single submitter. Criteria: ACMG Guidelines, 2015. Collection method: clinical testing. Allele origin: germline.

Labcorp Genetics (formerly Invitae), Labcorp
Classification: Uncertain significance for Charcot-Marie-Tooth disease type 2. Last evaluated: 2023-12-06. Review status: criteria provided, single submitter. Criteria: Invitae Variant Classification Sherloc (09022015). Collection method: clinical testing. Allele origin: germline.
Comment: This sequence change replaces glutamic acid, which is acidic and polar, with glycine, which is neutral and non-polar, at codon 347 of the LMNA protein (p.Glu347Gly). This variant is not present in population databases (gnomAD no frequency). This variant has not been reported in the literature in individuals affected with LMNA-related conditions. ClinVar contains an entry for this variant (Variation ID: 999846). Advanced modeling of protein sequence and biophysical properties (such as structural, functional, and spatial information, amino acid conservation, physicochemical variation, residue mobility, and thermodynamic stability) performed at Invitae indicates that this missense variant is expected to disrupt LMNA protein function with a positive predictive value of 95%. In summary, the available evidence is currently insufficient to determine the role of this variant in disease. Therefore, it has been classified as a Variant of Uncertain Significance.

Clinical Genetics Laboratory, Skane University Hospital Lund
Classification: Uncertain significance. Last evaluated: 2023-08-09. Review status: criteria provided, single submitter. Criteria: ACMG Guidelines, 2015. Collection method: clinical testing. Allele origin: germline. Affected: yes.

MGZ Medical Genetics Center
Classification: Uncertain significance for Emery-Dreifuss muscular dystrophy 2, autosomal dominant. Last evaluated: 2022-06-10. Review status: criteria provided, single submitter. Criteria: ACMG Guidelines, 2015. Collection method: clinical testing. Allele origin: germline. Affected: yes. Observed: 1 variant allele.
Comment: ACMG criteria applied: PM2_SUP, PM5_SUP, PP2, PP3